The following is an entry in ClinVar:

ClinVar aggregate classification (germline): Uncertain significance (1 of 4 stars; one submission).

Conditions:
Charcot-Marie-Tooth disease axonal type 2O. Also called: Charcot-Marie-Tooth disease, axonal, type 20; CHARCOT-MARIE-TOOTH NEUROPATHY, AXONAL, TYPE 2O; CHARCOT-MARIE-TOOTH DISEASE, AXONAL, AUTOSOMAL DOMINANT, TYPE 2O; Charcot-Marie-Tooth Neuropathy Type 2O. Identifiers: Orphanet 284232, MedGen C3280220, MONDO:0013644, OMIM 614228.

Submission:

Labcorp Genetics (formerly Invitae), Labcorp
Classification: Uncertain significance for Charcot-Marie-Tooth disease axonal type 2O. Last evaluated: 2023-02-21. Review status: criteria provided, single submitter. Criteria: Invitae Variant Classification Sherloc (09022015). Collection method: clinical testing. Allele origin: germline.
Comment: In summary, the available evidence is currently insufficient to determine the role of this variant in disease. Therefore, it has been classified as a Variant of Uncertain Significance. Variants that disrupt the consensus splice site are a relatively common cause of aberrant splicing (PMID: 17576681, 9536098). Algorithms developed to predict the effect of sequence changes on RNA splicing suggest that this variant is not likely to affect RNA splicing. This variant has not been reported in the literature in individuals affected with DYNC1H1-related conditions. This variant is not present in population databases (gnomAD no frequency). This sequence change falls in intron 41 of the DYNC1H1 gene. It does not directly change the encoded amino acid sequence of the DYNC1H1 protein. It affects a nucleotide within the consensus splice site.

Literature cited by the submitters: PubMed 17576681; PubMed 9536098.

NM_001376.5(DYNC1H1):c.8343+3A>G

Gene: DYNC1H1 (dynein cytoplasmic 1 heavy chain 1; plus strand). Cytogenetic location: 14q32.31.
Variant type: single nucleotide variant.
Coding change: c.8343+3A>G on transcript NM_001376.5 (MANE Select); 3 bases into the intron after coding-DNA position 8343, A replaced by G.
Molecular consequence: intron variant.
Genome position (GRCh38, 1-based): chr14:102,018,619, A>G. VCF-style: chr14-102018619-A-G. GRCh37 (hg19) VCF-style: chr14-102484956-A-G.
Identifiers: ClinVar variation 2828205 (VCV002828205.3), dbSNP rs2503777720, ClinGen allele CA2739279644.
Genomic context (GRCh38, chr14:102,018,619, plus strand): 5'-GCGGACGTATGCAGAGCCGCTCACTGCTGCCATGGTGGAGTTCTACACCATGTCTCAGGT[A>G]CGCAGAGTTTCTTTGCTCTTCCAGAAATTGTTTTCCTCTCATAATTAAGGCACTCGATTG-3'